The following is an entry in ClinVar:

ClinVar aggregate classification (germline): Benign/Likely benign. Review status: criteria provided, multiple submitters, no conflicts (2 of 4 stars). 5 submissions from 5 submitters: Benign (2); Likely benign (3). Last evaluated 2025-09-16.

Conditions:
Hereditary cancer-predisposing syndrome. Also called: Hereditary neoplastic syndrome; Hereditary Cancer Syndrome; Tumor predisposition; Neoplastic Syndromes, Hereditary. Identifiers: Orphanet 140162, MedGen C0027672, MeSH D009386, MONDO:0015356.
Lymphangiomyomatosis (LAM). Also called: Lymphangioleiomyomatosis, somatic; Lymphangioleiomyomatosis. Identifiers: Orphanet 538, MedGen C0751674, MONDO:0011705, OMIM 606690.
Isolated focal cortical dysplasia type II (FCORD2). Also called: CORTICAL DYSPLASIA OF TAYLOR; Focal cortical dysplasia type II. Identifiers: Orphanet 268994, MedGen C1846385, MONDO:0011818, OMIM 607341, HP:0032051.
Tuberous sclerosis 1 (TSC1). Identifiers: Orphanet 805, MedGen C1854465, MONDO:0008612, OMIM 191100.

Submissions (5):

Mayo Clinic Laboratories, Mayo Clinic
Classification: Likely benign. Last evaluated: 2025-09-16. Review status: criteria provided, single submitter. Criteria: ACMG Guidelines, 2015. Collection method: clinical testing. Allele origin: germline. Observed: 4 variant alleles.
Comment: BP4, BP7

Labcorp Genetics (formerly Invitae), Labcorp
Classification: Benign for Tuberous sclerosis 1. Last evaluated: 2025-08-20. Review status: criteria provided, single submitter. Criteria: Invitae Variant Classification Sherloc (09022015). Collection method: clinical testing. Allele origin: germline.

Department of Pathology and Laboratory Medicine, Sinai Health System
Classification: Benign for Tuberous sclerosis 1; Lymphangiomyomatosis; Isolated focal cortical dysplasia type II. Last evaluated: 2024-12-13. Review status: criteria provided, single submitter. Criteria: ACMG Guidelines, 2015. Collection method: clinical testing. Allele origin: germline.

Blueprint Genetics
Classification: Likely benign. Last evaluated: 2024-10-28. Review status: criteria provided, single submitter. Criteria: ACMG Guidelines, 2015. Collection method: clinical testing. Allele origin: germline.

Sema4
Classification: Likely benign for Hereditary cancer-predisposing syndrome. Last evaluated: 2021-03-04. Review status: criteria provided, single submitter. Criteria: Sema4 Curation Guidelines. Collection method: curation. Allele origin: germline.

NM_000368.5(TSC1):c.2626-7_2626-4dup

Gene: TSC1 (TSC complex subunit 1; minus strand). Cytogenetic location: 9q34.13.
Variant type: Duplication.
Coding change: c.2626-7_2626-4dup on transcript NM_000368.5 (MANE Select); 7 bases into the intron before coding-DNA position 2626 through 4 bases into the intron before coding-DNA position 2626, 4 bases duplicated (TTTT; older notation c.2626-7_2626-4dupTTTT).
Molecular consequence: intron variant.
Genome position (GRCh38, 1-based): chr9:132,897,614-132,897,617, AAAA duplicated on the plus strand (TTTT on the coding strand, the reverse complement: TSC1 is on the minus strand); duplicating any 4 consecutive bases within chr9:132,897,614-132,897,631 gives the same sequence; the c. name uses the placement nearest the transcript's 3' end. VCF-style (leftmost placement, unchanged base first): chr9-132897613-G-GAAAA. GRCh37 (hg19) VCF-style: chr9-135773000-G-GAAAA.
Other names: p.?; c.2263-7_2263-4dup (NM_001362177.2); c.2473-7_2473-4dup (NM_001162427.2); c.2623-7_2623-4dup (NM_001162426.2).
Identifiers: ClinVar variation 1692398 (VCV001692398.5), dbSNP rs5901000, ClinGen allele CA860666188.